The following is an entry in ClinVar:

ClinVar aggregate classification (germline): Uncertain significance (1 of 4 stars; one submission).

Submission:

Labcorp Genetics (formerly Invitae), Labcorp
Classification: Uncertain significance. Last evaluated: 2022-08-13. Review status: criteria provided, single submitter. Criteria: Invitae Variant Classification Sherloc (09022015). Collection method: clinical testing. Allele origin: germline.
Comment: This variant, c.2317_2319del, results in the deletion of 1 amino acid(s) of the ASXL3 protein (p.Ser773del), but otherwise preserves the integrity of the reading frame. This variant is not present in population databases (gnomAD no frequency). This variant has not been reported in the literature in individuals affected with ASXL3-related conditions. Experimental studies and prediction algorithms are not available or were not evaluated, and the functional significance of this variant is currently unknown. In summary, the available evidence is currently insufficient to determine the role of this variant in disease. Therefore, it has been classified as a Variant of Uncertain Significance.

NM_030632.3(ASXL3):c.2317_2319del (p.Ser773del)

Gene: ASXL3 (ASXL transcriptional regulator 3; plus strand). Cytogenetic location: 18q12.1.
Variant type: Deletion.
Coding change: c.2317_2319del on transcript NM_030632.3 (MANE Select); coding-DNA positions 2317 to 2319, 3 bases deleted (TCT; older notation c.2317_2319delTCT).
Protein change: p.Ser773del; deletes serine 773.
Molecular consequence: inframe deletion.
Genome position (GRCh38, 1-based): chr18:33,739,721-33,739,723, TCT deleted; deleting any 3 consecutive bases within chr18:33,739,719-33,739,723 gives the same sequence; the c. name uses the placement nearest the transcript's 3' end. VCF-style (leftmost placement, unchanged base first): chr18-33739718-CCTT-C. GRCh37 (hg19) VCF-style: chr18-31319682-CCTT-C.
Other names: short protein forms S773del.
Identifiers: ClinVar variation 2024130 (VCV002024130.4), dbSNP rs2510919278, ClinGen allele CA2580095661.